The following is an entry in ClinVar:

NM_016203.4(PRKAG2):c.667T>A (p.Tyr223Asn)

Gene: PRKAG2 (protein kinase AMP-activated non-catalytic subunit gamma 2; minus strand). Cytogenetic location: 7q36.1.
Variant type: single nucleotide variant.
Coding change: c.667T>A on transcript NM_016203.4 (MANE Select); coding-DNA position 667, T replaced by A.
Protein change: p.Tyr223Asn; replaces tyrosine 223 with asparagine.
Molecular consequence: missense variant.
Genome position (GRCh38, 1-based): chr7:151,675,437, A>T on the plus strand (T>A on the coding strand, the complement: PRKAG2 is on the minus strand). VCF-style: chr7-151675437-A-T. GRCh37 (hg19) VCF-style: chr7-151372523-A-T.
Other names: p.Y223N:TAT>AAT; c.535T>A, p.Tyr179Asn (NM_001040633.2); c.295T>A, p.Tyr99Asn (NM_001304527.2, NM_001363698.2); short protein forms Y223N, Y179N, Y99N.
Identifiers: ClinVar variation 181471 (VCV000181471.7), dbSNP rs730880974, ClinGen allele CA014463.

ClinVar aggregate classification (germline): Uncertain significance. Review status: criteria provided, multiple submitters, no conflicts (2 of 4 stars). 3 submissions from 3 submitters: Uncertain significance (3). Last evaluated 2024-04-16.

Conditions:
Hypertrophic cardiomyopathy. Also called: HYPERTROPHIC MYOCARDIOPATHY. Identifiers: Orphanet 217569, MedGen C0007194, MeSH D002312, MONDO:0005045, HP:0001639.
Cardiomyopathy (CMYO). Also called: Cardiomyopathies. Identifiers: Orphanet 167848, MedGen C0878544, MONDO:0004994, HP:0001638. Inheritance: Various modes of inheritance.

Submissions (3):

All of Us Research Program, National Institutes of Health
Classification: Uncertain significance for Hypertrophic cardiomyopathy. Last evaluated: 2024-04-16. Review status: criteria provided, single submitter. Criteria: ACMG Guidelines, 2015. Collection method: clinical testing. Allele origin: germline. Inheritance: Autosomal dominant inheritance. Observed: 1 variant allele, 1 heterozygote.
Comment: Variant of Uncertain Significance due to insufficient evidence: This missense variant replaces tyrosine with asparagine at codon 223 of the PRKAG2 protein. Computational prediction tools and conservation analyses suggest that this variant may not impact the protein function. Computational splicing tools suggest that this variant may not impact RNA splicing. To our knowledge, functional assays have not been performed for this variant nor has this variant been reported in individuals affected with cardiovascular disorders in the literature. This variant is rare in the general population and has been identified in 0/277264 chromosomes by the Genome Aggregation Database (gnomAD). Available evidence is insufficient to determine the role of this variant in disease conclusively.

This study involves interpretation of variants in research participants for the purpose of population health screening. Participant phenotype was not available at the time of variant classification. Additional details can be found in publication PMID: 35346344, PMCID: PMC8962531

Color Diagnostics, LLC DBA Color Health
Classification: Uncertain significance for Cardiomyopathy. Last evaluated: 2024-03-29. Review status: criteria provided, single submitter. Criteria: ACMG Guidelines, 2015. Collection method: clinical testing. Allele origin: germline.
Comment: This missense variant replaces tyrosine with asparagine at codon 223 of the PRKAG2 protein. Computational prediction tools indicate that this variant has a neutral impact on protein structure and function. To our knowledge, functional studies have not been reported for this variant. This variant has been reported in one individual affected with hypertrophic cardiomyopathy who also carried a truncation variant in the LAMP2 gene (PMID: 29121657). This variant has not been identified in the general population by the Genome Aggregation Database (gnomAD). The available evidence is insufficient to determine the role of this variant in disease conclusively. Therefore, this variant is classified as a Variant of Uncertain Significance.

GeneDx
Classification: Uncertain significance. Last evaluated: 2014-06-17. Review status: criteria provided, single submitter. Criteria: GeneDx Variant Classification (06012015). Collection method: clinical testing. Allele origin: germline. Affected: yes.
Comment: p.Tyr223Asn (TAT>AAT): c.667 T>A in exon 4 of the PRKAG2 gene (NM_016203.3) A variant of unknown significance has been identified in the PRKAG2 gene. The Y223N variant has not been published as a mutation or as a benign polymorphism to our knowledge. The Y223N variant was not observed in approximately 6,500 individuals of European and African American ancestry in the NHLBI Exome Sequencing Project, indicating it is not a common benign variant in these populations. The Y223N variant is a semi-conservative amino acid substitution, which may impact secondary protein structure as these residues differ in some properties. This substitution occurs at a position that is not conserved across species. In silico analysis predicts this variant likely does not alter the protein structure/function. No missense mutations in nearby residues have been reported in association with PRKAG2-related disorders, indicating this region of the protein may be tolerant of change.Therefore, based on the currently available information, it is unclear whether this variant is a pathogenic mutation or a rare benign variant. The variant is found in CARDIOMYOPATHY panel(s).

Literature cited by the submitters: PubMed 29121657 (cited by Color Diagnostics, LLC DBA Color Health).